The following is an entry in ClinVar:

NM_014844.5(TECPR2):c.625_626del (p.Gln209fs)

Gene: TECPR2 (tectonin beta-propeller repeat containing 2; plus strand). Cytogenetic location: 14q32.31.
Variant type: Microsatellite.
Coding change: c.625_626del on transcript NM_014844.5 (MANE Select); coding-DNA positions 625 to 626, 2 bases deleted (CA; older notation c.625_626delCA).
Protein change: p.Gln209fs; shifts the reading frame from glutamine 209.
Molecular consequence: frameshift variant.
Genome position (GRCh38, 1-based): chr14:102,414,780-102,414,781, CA deleted; deleting any 2 consecutive bases within chr14:102,414,777-102,414,781 gives the same sequence; the c. name uses the placement nearest the transcript's 3' end. VCF-style (leftmost placement, unchanged base first): chr14-102414776-AAC-A. GRCh37 (hg19) VCF-style: chr14-102881113-AAC-A.
Other names: c.625_626del, p.Gln209fs (NM_001172631.3); short protein forms Q209fs.
Identifiers: ClinVar variation 4880709 (VCV004880709.2).

ClinVar aggregate classification (germline): Likely pathogenic (1 of 4 stars; one submission).

Conditions:
Hereditary spastic paraplegia 49 (HSAN9). Also called: Spastic paraplegia 49, autosomal recessive; NEUROPATHY, HEREDITARY SENSORY AND AUTONOMIC, TYPE IX, WITH DEVELOPMENTAL DELAY; TECPR2-Related Hereditary Sensory and Autonomic Neuropathy with Intellectual Disability. Identifiers: Orphanet 320385, MedGen C5190860, MONDO:0014016, OMIM 615031.

Submission:

Dasa
Classification: Likely pathogenic for Hereditary spastic paraplegia 49. Last evaluated: 2026-01-19. Review status: criteria provided, single submitter. Criteria: DASA Assertion Criteria. Collection method: clinical testing. Allele origin: germline.
Comment: NM_014844.5(TECPR2):c.625_626del (p.Gln209Thrfs*18) is a frameshift variant in TECPR2 predicted to alter the reading frame and introduce a premature termination codon and is predicted to result in an absent or altered protein product. Loss of function is an established disease mechanism for TECPR2-associated disorders. Also, this variant is rare in population databases. Based on the currently available evidence, this variant is classified as likely pathogenic.